The following is an entry in ClinVar:

ClinVar aggregate classification (germline): Benign (1 of 4 stars; one submission).

Conditions:
Erythrocytosis, familial, 4 (ECYT4). Identifiers: Orphanet 247511, MedGen C2673187, MONDO:0012729, OMIM 611783.

Allele frequency attached by ClinVar (database versions not stated): 1000 Genomes Project 30x 0.00141; gnomAD exomes 0.00004; gnomAD 0.00046 and 0.00049; TOPMed 0.00053; 1000 Genomes Project 0.00120.
gnomAD v4.1: 82 of 502,206 alleles (0.016%); highest among the groups gnomAD compares: African/African-American, 0.15%; no homozygotes.

Submission:

Illumina Laboratory Services, Illumina
Classification: Benign for Erythrocytosis, familial, 4. Last evaluated: 2018-01-13. Review status: criteria provided, single submitter. Criteria: ICSL Variant Classification Criteria 13 December 2019. Collection method: clinical testing. Allele origin: germline.
Comment: This variant was observed in the ICSL laboratory as part of a predisposition screen in an ostensibly healthy population. It had not been previously curated by ICSL or reported in the Human Gene Mutation Database (HGMD: prior to June 1st, 2018), and was therefore a candidate for classification through an automated scoring system. Utilizing variant allele frequency, disease prevalence and penetrance estimates, and inheritance mode, an automated score was calculated to assess if this variant is too frequent to cause the disease. Based on the score and internal cut-off values, a variant classified as benign is not then subjected to further curation. The score for this variant resulted in a classification of benign for this disease.

NM_001430.5(EPAS1):c.*262A>G

Gene: EPAS1 (endothelial PAS domain protein 1; plus strand). Cytogenetic location: 2p21.
Variant type: single nucleotide variant.
Coding change: c.*262A>G on transcript NM_001430.5 (MANE Select); 262 bases downstream of the stop codon, A replaced by G.
Molecular consequence: 3 prime UTR variant.
Genome position (GRCh38, 1-based): chr2:46,384,922, A>G. VCF-style: chr2-46384922-A-G. GRCh37 (hg19) VCF-style: chr2-46612061-A-G.
Identifiers: ClinVar variation 897814 (VCV000897814.4), dbSNP rs188117114, ClinGen allele CA46571620.